The following is an entry in ClinVar:

NM_025074.7(FRAS1):c.4679-2A>C

Gene: FRAS1 (Fraser extracellular matrix complex subunit 1; plus strand). Cytogenetic location: 4q21.21.
Variant type: single nucleotide variant.
Coding change: c.4679-2A>C on transcript NM_025074.7 (MANE Select); the canonical splice acceptor site of the intron before coding-DNA position 4679, A replaced by C.
Molecular consequence: splice acceptor variant.
Genome position (GRCh38, 1-based): chr4:78,424,386, A>C. VCF-style: chr4-78424386-A-C. GRCh37 (hg19) VCF-style: chr4-79345540-A-C.
Other names: c.4679-2A>C (NM_001166133.2).
Identifiers: ClinVar variation 3376462 (VCV003376462.1).

ClinVar aggregate classification (germline): Uncertain significance (1 of 4 stars; one submission).

Conditions:
Fraser syndrome 1 (FRASRS1). Also called: CRYPTOPHTHALMOS WITH OTHER MALFORMATIONS. Identifiers: Orphanet 2052, MedGen C4551480, MONDO:0054737, OMIM 219000.

Submission:

Pittsburgh Clinical Genomics Laboratory, University of Pittsburgh Medical Center
Classification: Uncertain significance for Fraser syndrome 1. Last evaluated: 2024-04-24. Review status: criteria provided, single submitter. Criteria: ACMG Guidelines, 2015. Collection method: clinical testing. Allele origin: germline. Inheritance: Autosomal recessive inheritance. Affected: yes.
Comment: This sequence variant is a single nucleotide substitution (A>C) at the -2 position of the canonical splice acceptor site upstream of exon 35 of the FRAS1 gene. This novel variant is absent from ClinVar, publications, and the gnomAD v4.0.0 population database (0/~1465000 alleles). This variant is predicted to significantly alter FRAS1 mRNA splicing and increase affinity for a cryptic splice acceptor site which would remove the first 9 nucleotides of exon 35. Splicing studies confirming this prediction have not been performed, to our knowledge. At this time, there is insufficient evidence to determine if this variant is pathogenic or benign. Therefore, we consider this a variant of uncertain significance. ACMG Criteria: PM2, PP3